The following is an entry in ClinVar:

NM_000925.4(PDHB):c.639_655del (p.Pro214fs)

Gene: PDHB (pyruvate dehydrogenase E1 subunit beta; minus strand). Cytogenetic location: 3p14.3.
Variant type: Deletion.
Coding change: c.639_655del on transcript NM_000925.4 (MANE Select); coding-DNA positions 639 to 655, 17 bases deleted (TCCGGAAGCTCAGTCAA).
Protein change: p.Pro214fs; shifts the reading frame from proline 214.
Molecular consequence: frameshift variant. On other transcripts: non-coding transcript variant (1).
Genome position (GRCh38, 1-based): chr3:58,430,173-58,430,189, TTGACTGAGCTTCCGGA deleted on the plus strand (TCCGGAAGCTCAGTCAA on the coding strand, the reverse complement: PDHB is on the minus strand). VCF-style (leftmost placement, unchanged base first): chr3-58430172-TTTGACTGAGCTTCCGGA-T. GRCh37 (hg19) VCF-style: chr3-58415899-TTTGACTGAGCTTCCGGA-T.
Other names: c.585_601del, p.Pro196fs (NM_001173468.2, NM_001315536.2); short protein forms P214fs, P196fs.
Identifiers: ClinVar variation 2859779 (VCV002859779.3), dbSNP rs2471366728, ClinGen allele CA2739279257.
Genomic context (GRCh38, chr3:58,430,172, plus strand): 5'-ATCTTAGTTTTCTTACCTTGCCTTTCTATTTTGGCTTTTCCAATAGGAATCAGAAAATCT[TTTGACTGAGCTTCCGGA>T]GGAAATTCAAAAGGAACCCCATACATCAATTCATTCTCTAGCACCACCACTGAAAAACAT-3'

ClinVar aggregate classification (germline): Pathogenic (1 of 4 stars; one submission).

Conditions:
Pyruvate dehydrogenase E1-beta deficiency (PDHBD). Identifiers: Orphanet 255138, Orphanet 765, MedGen C3279841, MONDO:0013580, OMIM 614111.

Submission:

Labcorp Genetics (formerly Invitae), Labcorp
Classification: Pathogenic for Pyruvate dehydrogenase E1-beta deficiency. Last evaluated: 2023-04-27. Review status: criteria provided, single submitter. Criteria: Invitae Variant Classification Sherloc (09022015). Collection method: clinical testing. Allele origin: germline.
Comment: This sequence change creates a premature translational stop signal (p.Pro214Argfs*39) in the PDHB gene. It is expected to result in an absent or disrupted protein product. Loss-of-function variants in PDHB are known to be pathogenic (PMID: 21914562, 25356417). This variant is not present in population databases (gnomAD no frequency). This variant has not been reported in the literature in individuals affected with PDHB-related conditions. For these reasons, this variant has been classified as Pathogenic.

Literature cited by the submitters: PubMed 21914562; PubMed 25356417.